The following is an entry in ClinVar:

NM_001386795.1(DTNA):c.1317T>C (p.Tyr439=)

Gene: DTNA (dystrobrevin alpha; plus strand). Cytogenetic location: 18q12.1.
Variant type: single nucleotide variant.
Coding change: c.1317T>C on transcript NM_001386795.1 (MANE Select); coding-DNA position 1317, T replaced by C.
Protein change: p.Tyr439=; no amino-acid change (tyrosine 439 retained).
Molecular consequence: synonymous variant. On other transcripts: intron variant (33).
Genome position (GRCh38, 1-based): chr18:34,838,808, T>C. VCF-style: chr18-34838808-T-C. GRCh37 (hg19) VCF-style: chr18-32418772-T-C.
Other names: c.363T>C, p.Tyr121= (NM_001198942.1); c.1317T>C, p.Tyr439= (NM_001386788.1); c.1236T>C, p.Tyr412= (NM_001390.5, NM_001391.5); c.1227T>C, p.Tyr409= (NM_032978.7); c.1095-9488T>C (NM_032975.4, NM_001386761.1, NM_001386762.1 and 1 more transcripts); c.1175+9319T>C (NM_001386754.1, NM_001386755.1, NM_001386760.1 and 5 more transcripts); c.1086-9488T>C (NM_001386763.1, NM_001386764.1, NM_001386768.1 and 13 more transcripts); c.604-13023T>C (NM_001198945.2); and 4 more.
Identifiers: ClinVar variation 2826466 (VCV002826466.3), dbSNP rs1568718847, ClinGen allele CA2641473816.

ClinVar aggregate classification (germline): Uncertain significance (1 of 4 stars; one submission).

Conditions:
Left ventricular noncompaction 1 (LVNC1). Also called: LEFT VENTRICULAR NONCOMPACTION 1 WITH OR WITHOUT CONGENITAL HEART DEFECTS. Identifiers: Orphanet 54260, MedGen C1858725, MONDO:0011403, OMIM 604169.

gnomAD v4.1: 4 of 1,613,768 alleles (0.00025%); highest among the groups gnomAD compares: South Asian, 0.0033%; no homozygotes.

Submission:

Labcorp Genetics (formerly Invitae), Labcorp
Classification: Uncertain significance for Left ventricular noncompaction 1. Last evaluated: 2023-01-06. Review status: criteria provided, single submitter. Criteria: Invitae Variant Classification Sherloc (09022015). Collection method: clinical testing. Allele origin: germline.
Comment: In summary, the available evidence is currently insufficient to determine the role of this variant in disease. Therefore, it has been classified as a Variant of Uncertain Significance. Algorithms developed to predict the effect of sequence changes on RNA splicing suggest that this variant may create or strengthen a splice site. This variant has not been reported in the literature in individuals affected with DTNA-related conditions. This variant is not present in population databases (gnomAD no frequency). This sequence change affects codon 412 of the DTNA mRNA. It is a 'silent' change, meaning that it does not change the encoded amino acid sequence of the DTNA protein.